The following is an entry in ClinVar:

NM_006231.4(POLE):c.2044G>A (p.Glu682Lys)

Gene: POLE (DNA polymerase epsilon, catalytic subunit; minus strand). Cytogenetic location: 12q24.33.
Variant type: single nucleotide variant.
Coding change: c.2044G>A on transcript NM_006231.4 (MANE Select); coding-DNA position 2044, G replaced by A.
Protein change: p.Glu682Lys; replaces glutamic acid 682 with lysine.
Molecular consequence: missense variant.
Genome position (GRCh38, 1-based): chr12:132,668,485, C>T on the plus strand (G>A on the coding strand, the complement: POLE is on the minus strand). VCF-style: chr12-132668485-C-T. GRCh37 (hg19) VCF-style: chr12-133245071-C-T.
Other names: short protein forms E682K.
Identifiers: ClinVar variation 240416 (VCV000240416.11), dbSNP rs878854848, ClinGen allele CA10583014.

ClinVar aggregate classification (germline): Uncertain significance. Review status: criteria provided, multiple submitters, no conflicts (2 of 4 stars). 2 submissions from 2 submitters: Uncertain significance (2). Last evaluated 2026-01-11.

Conditions:
Hereditary cancer-predisposing syndrome. Also called: Tumor predisposition; Neoplastic Syndromes, Hereditary; Hereditary Cancer Syndrome; Hereditary neoplastic syndrome. Identifiers: Orphanet 140162, MedGen C0027672, MeSH D009386, MONDO:0015356.

Allele frequency attached by ClinVar (database versions not stated): gnomAD exomes below 0.00001.

Submissions (2):

Labcorp Genetics (formerly Invitae), Labcorp
Classification: Uncertain significance. Last evaluated: 2026-01-11. Review status: criteria provided, single submitter. Criteria: Invitae Variant Classification Sherloc (09022015). Collection method: clinical testing. Allele origin: germline.
Comment: This sequence change replaces glutamic acid, which is acidic and polar, with lysine, which is basic and polar, at codon 682 of the POLE protein (p.Glu682Lys). This variant is present in population databases (no rsID available, gnomAD 0.006%). This variant has not been reported in the literature in individuals affected with POLE-related conditions. ClinVar contains an entry for this variant (Variation ID: 240416). Invitae Evidence Modeling of protein sequence and biophysical properties (such as structural, functional, and spatial information, amino acid conservation, physicochemical variation, residue mobility, and thermodynamic stability) indicates that this missense variant is expected to disrupt POLE protein function with a positive predictive value of 80%. In summary, the available evidence is currently insufficient to determine the role of this variant in disease. Therefore, it has been classified as a Variant of Uncertain Significance.

Ambry Genetics
Classification: Uncertain significance for Hereditary cancer-predisposing syndrome. Last evaluated: 2025-03-24. Review status: criteria provided, single submitter. Criteria: Ambry Variant Classification Scheme 2023. Collection method: clinical testing. Allele origin: germline.
Comment: The p.E682K variant (also known as c.2044G>A), located in coding exon 19 of the POLE gene, results from a G to A substitution at nucleotide position 2044. The glutamic acid at codon 682 is replaced by lysine, an amino acid with similar properties. This amino acid position is conserved. In addition, this alteration is predicted to be deleterious by in silico analysis. Based on the available evidence, the clinical significance of this variant remains unclear.